The following is an entry in ClinVar:

NM_003482.4(KMT2D):c.6241dup (p.Glu2081fs)

Gene: KMT2D (lysine methyltransferase 2D; minus strand). Cytogenetic location: 12q13.12.
Variant type: Duplication.
Coding change: c.6241dup on transcript NM_003482.4 (MANE Select); coding-DNA position 6241, one base duplicated (G; older notation c.6241dupG).
Protein change: p.Glu2081fs; shifts the reading frame from glutamic acid 2081.
Molecular consequence: frameshift variant.
Genome position (GRCh38, 1-based): chr12:49,041,529, C duplicated on the plus strand (G on the coding strand, the reverse complement: KMT2D is on the minus strand). VCF-style (leftmost placement, unchanged base first): chr12-49041528-T-TC. GRCh37 (hg19) VCF-style: chr12-49435311-T-TC.
Other names: short protein forms E2081fs.
Identifiers: ClinVar variation 1374899 (VCV001374899.6), dbSNP rs2120548391, ClinGen allele CA2573148689.

ClinVar aggregate classification (germline): Pathogenic (1 of 4 stars; one submission).

Conditions:
Kabuki syndrome. Also called: Kabuki make-up syndrome; NIIKAWA-KUROKI SYNDROME. Identifiers: Orphanet 2322, MedGen C0796004, MONDO:0016512.

Submission:

Labcorp Genetics (formerly Invitae), Labcorp
Classification: Pathogenic for Kabuki syndrome. Last evaluated: 2021-03-10. Review status: criteria provided, single submitter. Criteria: Invitae Variant Classification Sherloc (09022015). Collection method: clinical testing. Allele origin: germline.
Comment: This sequence change creates a premature translational stop signal (p.Glu2081Glyfs*16) in the KMT2D gene. It is expected to result in an absent or disrupted protein product. Loss-of-function variants in KMT2D are known to be pathogenic (PMID: 22126750). This variant is not present in population databases (ExAC no frequency). This variant has not been reported in the literature in individuals with KMT2D-related conditions. For these reasons, this variant has been classified as Pathogenic.

Literature cited by the submitters: PubMed 22126750.